The following is an entry in ClinVar:

NC_000011.9:g.(?_68525112)_(68582942_?)del

Gene: CPT1A (carnitine palmitoyltransferase 1A; minus strand). Cytogenetic location: 11q13.3.
Variant type: Deletion.
Identifiers: ClinVar variation 1455519 (VCV001455519.4).

ClinVar aggregate classification (germline): Pathogenic (1 of 4 stars; one submission).

Conditions:
Carnitine palmitoyl transferase 1A deficiency. Also called: Carnitine palmitoyltransferase type I deficiency; CPT deficiency, hepatic, type IA; CPT I DEFICIENCY; CPT DEFICIENCY, HEPATIC, TYPE I; Carnitine palmitoyltransferase 1A deficiency. Identifiers: Orphanet 156, MedGen C1829703, MONDO:0009705, OMIM 255120.

Submission:

Labcorp Genetics (formerly Invitae), Labcorp
Classification: Pathogenic for Carnitine palmitoyl transferase 1A deficiency. Last evaluated: 2021-04-21. Review status: criteria provided, single submitter. Criteria: Invitae Variant Classification Sherloc (09022015). Collection method: clinical testing. Allele origin: germline.
Comment: For these reasons, this variant has been classified as Pathogenic. This variant has not been reported in the literature in individuals with CPT1A-related conditions. A gross deletion of the genomic region encompassing the full coding sequence of the CPT1A gene has been identified. Loss-of-function variants in CPT1A are known to be pathogenic (PMID: 16169268). The boundaries of this event are unknown as they extend beyond the assayed region for this gene and therefore may encompass additional genes.

Literature cited by the submitters: PubMed 16169268.